The following is an entry in ClinVar:

ClinVar aggregate classification (germline): Conflicting classifications of pathogenicity. Review status: criteria provided, conflicting classifications (1 of 4 stars). 2 submissions from 2 submitters: Uncertain significance (1); Likely benign (1). Last evaluated 2026-01-28.

Allele frequency attached by ClinVar (database versions not stated): gnomAD 0.00003; gnomAD exomes 0.00007 and 0.00010; 1000 Genomes Project 0.00020; TOPMed 0.00005; ExAC 0.00007; 1000 Genomes Project 30x 0.00016.

Submissions (2):

Labcorp Genetics (formerly Invitae), Labcorp
Classification: Likely benign. Last evaluated: 2026-01-28. Review status: criteria provided, single submitter. Criteria: Invitae Variant Classification Sherloc (09022015). Collection method: clinical testing. Allele origin: germline.

GeneDx
Classification: Uncertain significance. Last evaluated: 2019-04-29. Review status: criteria provided, single submitter. Criteria: GeneDx Variant Classification Process June 2021. Collection method: clinical testing. Allele origin: germline. Affected: yes.
Comment: Has not been previously published as pathogenic or benign to our knowledge; In-silico analysis, which includes splice predictors and evolutionary conservation, is inconclusive as to whether the variant alters gene splicing. In the absence of RNA/functional studies, the actual effect of this sequence change is unknown.

NM_000123.4(ERCC5):c.2898C>T (p.Phe966=)

Genes: BIVM-ERCC5 (BIVM-ERCC5 readthrough; plus strand), ERCC5 (ERCC excision repair 5, endonuclease; plus strand). Cytogenetic location: 13q33.1.
Variant type: single nucleotide variant.
Coding change: c.2898C>T on transcript NM_000123.4 (MANE Select); coding-DNA position 2898, C replaced by T.
Protein change: p.Phe966=; no amino-acid change (phenylalanine 966 retained).
Molecular consequence: synonymous variant.
Genome position (GRCh38, 1-based): chr13:102,873,277, C>T. VCF-style: chr13-102873277-C-T. GRCh37 (hg19) VCF-style: chr13-103525627-C-T.
Other names: c.4260C>T, p.Phe1420= (NM_001204425.2).
Identifiers: ClinVar variation 1305676 (VCV001305676.5), dbSNP rs535585040, ClinGen allele CA7041785.
Genomic context (GRCh38, chr13:102,873,277, plus strand): 5'-TAAATATCTTTCAAAATATTTATAAGTCTTAACTGCATGCATATTTTGTCAGCGGTATTT[C>T]GGCTGGAACAGAACGAAGACAGATGAATCTCTGTTTCCTGTATTAAAGCAACTCGATGCC-3'
Protein context (NP_000114.3, residues 956-976): DKIREFCQRY[Phe966=]GWNRTKTDES